The following is an entry in ClinVar:

ClinVar aggregate classification (germline): Uncertain significance. Review status: criteria provided, multiple submitters, no conflicts (2 of 4 stars). 2 submissions from 2 submitters: Uncertain significance (2). Last evaluated 2025-10-14.

Conditions:
Inborn genetic diseases. Identifiers: MedGen C0950123, MeSH D030342.

Allele frequency attached by ClinVar (database versions not stated): TOPMed below 0.00001.
gnomAD v4.1: 9 of 1,604,824 alleles (0.00056%); highest among the groups gnomAD compares: Non-Finnish European, 0.00068%; no homozygotes.

Submissions (2):

Ambry Genetics
Classification: Uncertain significance for Inborn genetic diseases. Last evaluated: 2025-10-14. Review status: criteria provided, single submitter. Criteria: Ambry Variant Classification Scheme 2023. Collection method: clinical testing. Allele origin: germline.

GeneDx
Classification: Uncertain significance. Last evaluated: 2020-10-20. Review status: criteria provided, single submitter. Criteria: GeneDx Variant Classification Process June 2021. Collection method: clinical testing. Allele origin: germline. Affected: yes.
Comment: Not observed in large population cohorts (Lek et al., 2016); In silico analysis supports that this missense variant does not alter protein structure/function; Has not been previously published as pathogenic or benign to our knowledge

NM_001371928.1(AHDC1):c.2872C>A (p.Pro958Thr)

Gene: AHDC1 (AT-hook DNA binding motif containing 1; minus strand). Cytogenetic location: 1p36.11.
Variant type: single nucleotide variant.
Coding change: c.2872C>A on transcript NM_001371928.1 (MANE Select); coding-DNA position 2872, C replaced by A.
Protein change: p.Pro958Thr; replaces proline 958 with threonine.
Molecular consequence: missense variant.
Genome position (GRCh38, 1-based): chr1:27,549,244, G>T on the plus strand (C>A on the coding strand, the complement: AHDC1 is on the minus strand). VCF-style: chr1-27549244-G-T. GRCh37 (hg19) VCF-style: chr1-27875755-G-T.
Other names: c.2872C>A, p.Pro958Thr (NM_001029882.3); short protein forms P958T.
Identifiers: ClinVar variation 1313359 (VCV001313359.3), dbSNP rs1359664982, ClinGen allele CA339229303.
Genomic context (GRCh38, chr1:27,549,244, plus strand): 5'-GTCCGGCCCCATAGCCGCCGTACTGGGGCAGGTAGGTGTTGGCAGGCGGGTGGGTGGTAG[G>T]TGAGCGGGCCATGGCTGAGGGCGGGGGCACCAGCTTGGGGAAGGTCTCGGCTGCCCGGCA-3'
Protein context (NP_001358857.1, residues 948-968): VPPPSAMARS[Pro958Thr]TTHPPANTYL